The following is an entry in ClinVar:

ClinVar aggregate classification (germline): Uncertain significance (1 of 4 stars; one submission).

Conditions:
MPI-congenital disorder of glycosylation. Also called: PROTEIN-LOSING ENTEROPATHY-HEPATIC FIBROSIS SYNDROME; MPI DEFICIENCY; CONGENITAL DISORDER OF GLYCOSYLATION, TYPE Ib; CDG Ib; MANNOSEPHOSPHATE ISOMERASE DEFICIENCY; MPI-CDG. Identifiers: Orphanet 79319, MedGen C1865145, MONDO:0011257, OMIM 602579.

Submission:

Labcorp Genetics (formerly Invitae), Labcorp
Classification: Uncertain significance for MPI-congenital disorder of glycosylation. Last evaluated: 2022-08-09. Review status: criteria provided, single submitter. Criteria: Invitae Variant Classification Sherloc (09022015). Collection method: clinical testing. Allele origin: germline.
Comment: This sequence change replaces threonine, which is neutral and polar, with serine, which is neutral and polar, at codon 307 of the MPI protein (p.Thr307Ser). This variant is present in population databases (rs142113673, gnomAD 0.01%). This variant has not been reported in the literature in individuals affected with MPI-related conditions. Algorithms developed to predict the effect of missense changes on protein structure and function are either unavailable or do not agree on the potential impact of this missense change (SIFT: "Tolerated"; PolyPhen-2: "Probably Damaging"; Align-GVGD: "Class C0"). Algorithms developed to predict the effect of sequence changes on RNA splicing suggest that this variant may disrupt the consensus splice site. In summary, the available evidence is currently insufficient to determine the role of this variant in disease. Therefore, it has been classified as a Variant of Uncertain Significance.

NM_002435.3(MPI):c.920C>G (p.Thr307Ser)

Gene: MPI (mannose phosphate isomerase; plus strand). Cytogenetic location: 15q24.1.
Variant type: single nucleotide variant.
Coding change: c.920C>G on transcript NM_002435.3 (MANE Select); coding-DNA position 920, C replaced by G.
Protein change: p.Thr307Ser; replaces threonine 307 with serine.
Molecular consequence: missense variant. On other transcripts: intron variant (1).
Genome position (GRCh38, 1-based): chr15:74,897,086, C>G. VCF-style: chr15-74897086-C-G. GRCh37 (hg19) VCF-style: chr15-75189427-C-G.
Other names: c.770C>G, p.Thr257Ser (NM_001289156.2); c.737C>G, p.Thr246Ser (NM_001289157.2); c.860C>G, p.Thr287Ser (NM_001330372.2); c.845-426C>G (NM_001289155.2); short protein forms T246S, T307S, T257S, T287S.
Identifiers: ClinVar variation 2161816 (VCV002161816.1), dbSNP rs142113673, ClinGen allele CA7662600.
Genomic context (GRCh38, chr15:74,897,086, plus strand): 5'-TGGCGTGTTCAGACAACACAGTTCGTGCTGGCCTGACACCCAAGTTCATTGATGTGCCAA[C>G]CCTGTGTGAAATGCTCAGCTATACCCCTAGCTCCAGCAAGGACAGGCTCTTTCTCCCAAC-3'
Protein context (NP_002426.1, residues 297-317): GLTPKFIDVP[Thr307Ser]LCEMLSYTPS